The following is an entry in ClinVar:

NM_007294.4(BRCA1):c.5365G>C (p.Ala1789Pro)

Gene: BRCA1 (BRCA1 DNA repair associated; minus strand). Cytogenetic location: 17q21.31.
Variant type: single nucleotide variant.
Coding change: c.5365G>C on transcript NM_007294.4 (MANE Select); coding-DNA position 5365, G replaced by C.
Protein change: p.Ala1789Pro; replaces alanine 1789 with proline.
Molecular consequence: missense variant. On other transcripts: non-coding transcript variant (1), intron variant (1).
Genome position (GRCh38, 1-based): chr17:43,049,162, C>G on the plus strand (G>C on the coding strand, the complement: BRCA1 is on the minus strand). VCF-style: chr17-43049162-C-G. GRCh37 (hg19) VCF-style: chr17-41201179-C-G.
Other names: c.5152G>C, p.Ala1718Pro (NM_001407571.1, NM_001407907.1, NM_001407908.1 and 12 more transcripts); c.5431G>C, p.Ala1811Pro (NM_001407581.1, NM_001407582.1); c.5428G>C, p.Ala1810Pro (NM_001407583.1, NM_001407585.1, NM_001407587.1 and 1 more transcripts); c.5425G>C, p.Ala1809Pro (NM_001407590.1, NM_001407591.1); c.5365G>C, p.Ala1789Pro (NM_001407593.1, NM_001407594.1, NM_001407596.1 and 5 more transcripts); c.5362G>C, p.Ala1788Pro (NM_001407610.1, NM_001407611.1, NM_001407612.1 and 14 more transcripts); c.5359G>C, p.Ala1787Pro (NM_001407627.1, NM_001407628.1, NM_001407629.1 and 13 more transcripts); c.5350G>C, p.Ala1784Pro (NM_001407647.1); and 73 more; short protein forms A1789P, A1810P, A1742P, A685P, A1662P, A1677P, A1700P, A1701P.
Identifiers: ClinVar variation 628780 (VCV000628780.6), dbSNP rs80357078, ClinGen allele CA10590738.

ClinVar aggregate classification (germline): Uncertain significance (1 of 4 stars; one submission).

Conditions:
Hereditary cancer-predisposing syndrome. Also called: Hereditary neoplastic syndrome; Tumor predisposition; Hereditary Cancer Syndrome; Neoplastic Syndromes, Hereditary. Identifiers: Orphanet 140162, MedGen C0027672, MeSH D009386, MONDO:0015356.

Submissions (2):

Color Diagnostics, LLC DBA Color Health
Classification: Uncertain significance for Hereditary cancer-predisposing syndrome. Last evaluated: 2020-09-08. Review status: criteria provided, single submitter. Criteria: ACMG Guidelines, 2015. Collection method: clinical testing. Allele origin: germline.
Comment: This missense variant replaces alanine with proline at codon 1789 of the BRCA1 protein. Computational prediction suggests that this variant may have deleterious impact on protein structure and function (internally defined REVEL score threshold >= 0.7, PMID: 27666373). A functional study has shown that this variant protein is non-functional and results in decreased cell survival in a human haploid cell line-based assay (PMID: 30209399). To our knowledge, this variant has not been reported in individuals affected with hereditary cancer in the literature. This variant has not been identified in the general population by the Genome Aggregation Database (gnomAD). The available evidence is insufficient to determine the role of this variant in disease conclusively. Therefore, this variant is classified as a Variant of Uncertain Significance.

Brotman Baty Institute, University of Washington
No classification provided (evidence only). Condition: Breast-ovarian cancer, familial 1. Review status: no classification provided. Collection method: in vitro. Allele origin: not applicable. Functional consequence: functionally_abnormal. Not counted in ClinVar's aggregate classification.
ClinVar note: "not provided" was previously submitted as the classification for the variant. However, the classification appeared to be based only on an observation of functional data so it was converted to no classification on 2025-07-30.